The following is an entry in ClinVar:

NM_025215.6(PUS1):c.171C>G (p.Arg57=)

Genes: PUS1 (pseudouridine synthase 1; plus strand), LOC130009240 (ATAC-STARR-seq lymphoblastoid silent region 5107; plus strand). Cytogenetic location: 12q24.33.
Variant type: single nucleotide variant.
Coding change: c.171C>G on transcript NM_025215.6 (MANE Select); coding-DNA position 171, C replaced by G.
Protein change: p.Arg57=; no amino-acid change (arginine 57 retained).
Molecular consequence: synonymous variant.
Genome position (GRCh38, 1-based): chr12:131,930,003, C>G. VCF-style: chr12-131930003-C-G. GRCh37 (hg19) VCF-style: chr12-132414548-C-G.
Other names: c.87C>G, p.Arg29= (NM_001002019.3, NM_001002020.3).
Identifiers: ClinVar variation 515502 (VCV000515502.10), dbSNP rs779321427, ClinGen allele CA482841668.

ClinVar aggregate classification (germline): Likely benign. Review status: criteria provided, multiple submitters, no conflicts (2 of 4 stars). 2 submissions from 2 submitters: Likely benign (2). Last evaluated 2024-04-25.

Submissions (2):

Labcorp Genetics (formerly Invitae), Labcorp
Classification: Likely benign. Last evaluated: 2024-04-25. Review status: criteria provided, single submitter. Criteria: Invitae Variant Classification Sherloc (09022015). Collection method: clinical testing. Allele origin: germline.

GeneDx
Classification: Likely benign. Last evaluated: 2018-02-23. Review status: criteria provided, single submitter. Criteria: GeneDx Variant Classification (06012015). Collection method: clinical testing. Allele origin: germline. Affected: yes.
Comment: This variant is considered likely benign or benign based on one or more of the following criteria: it is a conservative change, it occurs at a poorly conserved position in the protein, it is predicted to be benign by multiple in silico algorithms, and/or has population frequency not consistent with disease.